The following is an entry in ClinVar:

NM_000518.5(HBB):c.99GGT[1] (p.Val35del)

Genes: HBB (hemoglobin subunit beta; minus strand), LOC106099062 (HBB recombination region; plus strand), LOC107133510 (origin of replication at HBB; plus strand). Cytogenetic location: 11p15.4.
Variant type: Microsatellite.
Coding change: c.99GGT[1] on transcript NM_000518.5 (MANE Select); one copy of the 3-base unit GGT starting at c.99; the reference has two copies in a row; one copy, 3 bases deleted.
Protein change: p.Val35del; deletes valine 35.
Molecular consequence: inframe deletion.
Genome position (GRCh38, 1-based): chr11:5,226,788-5,226,790, ACC deleted on the plus strand (GGT on the coding strand, the reverse complement: HBB is on the minus strand); deleting any 3 consecutive bases within chr11:5,226,788-5,226,794 gives the same sequence; the position shown is the placement nearest the transcript's 3' end. VCF-style (leftmost placement, unchanged base first): chr11-5226787-GACC-G. GRCh37 (hg19) VCF-style: chr11-5248017-GACC-G.
Other names: c.102_104delGGT (NM_000518.5); short protein forms V35del.
Identifiers: ClinVar variation 15532 (VCV000015532.3), dbSNP rs35699671, ClinGen allele CA125407.
Genomic context (GRCh38, chr11:5,226,787, plus strand): 5'-AACAGCATCAGGAGTGGACAGATCCCCAAAGGACTCAAAGAACCTCTGGGTCCAAGGGTA[GACC>G]ACCAGCAGCCTAAGGGTGGGAAAATAGACCAATAGGCAGAGAGAGTCAGTGCCTATCAGA-3'

ClinVar aggregate classification (germline): Pathogenic. Review status: criteria provided, single submitter (1 of 4 stars). 2 submissions from 2 submitters: Pathogenic (1). 1 of the submissions does not count toward it. Last evaluated 2021-05-06.

Conditions:
HEMOGLOBIN KOREA.
Beta-thalassemia HBB/LCRB. Identifiers: MedGen CN322236, MONDO:0013517, OMIM 613985.

Submissions (2):

Victorian Clinical Genetics Services, Murdoch Childrens Research Institute
Classification: Pathogenic for Beta-thalassemia HBB/LCRB. Last evaluated: 2021-05-06. Review status: criteria provided, single submitter. Criteria: ACMG Guidelines, 2015. Collection method: clinical testing. Allele origin: germline. Inheritance: Autosomal dominant inheritance.
Comment: Based on the classification scheme VCGS_Germline_v1.3.4, this variant is classified as Pathogenic. Following criteria are met: 0102 - Loss of function is a known mechanism of disease in this gene and is associated with mutiple HBB-related blood conditions (OMIM). Dominant negative is also a suggested mechanism (PMID: 29700171). (I) 0108 - This gene is associated with both recessive and dominant disease. Variants in this gene have been reported in patients with autosomal recessive sickle cell anemia (MIM#603903), and autosomal dominant delta-beta thalassemia (MIM#141749), Heinz body anemia (MIM#140700) and hereditary persistence of fetal hemoglobin (MIM#141749) (OMIM, PMID: 20301599). Beta thalassemia (MIM#613985) has been associated with both dominant and recessive disease(PMID: 20301599, PMID: 1911355). (I) 0115 - Variants in this gene are known to have variable expressivity. Variable clinical severity is dependent on whether variants in HBB are heterozygous, homozygous or compound heterozygous, and the amount of residual protein that is expressed (PMID: 20301599). (I) 0213 - In-frame insertion/deletion in a non-repetitive region that has high conservation. (SP) 0251 - This variant is heterozygous. (I) 0301 - Variant is absent from gnomAD (both v2 and v3). (SP) 0601 - Variant is located at the well-established interface residue within the haemoglobin beta-like domain, and has been functionally proven to result in a defective protein when altered (NCBI, PMID: 12603091, PMID: 12908805). (SP) 0702 - Other missense variants at this same protein position have strong previous evidence for pathogenicity. These missense variants (p.Val35Phe, p.Val35Asp, p.Val35Leu) have been reported multiple times in patients with erythrocytosis, haemolytic anaemia and haemoglobinopathy. The variants were de novo in two of these patients, and are commonly reported using older nomenclature where this amino acid was at position 34 (ClinVar, OMIM, PMID: 12603091, PMID: 12908805, PMID: 26635043). (SP) 0802 - This variant has moderate previous evidence of pathogenicity in a single individual. This variant has been reported in a single de novo patient with beta thalassaemia, and is referred to as the Korean variant (PMID: 1911355). (SP) 0905 - No published segregation evidence has been identified for this variant. (I) 1007 - No published functional evidence has been identified for this variant. (I) 1208 - Inheritance information for this variant is not currently available in this individual. (I) Legend: (SP) - Supporting pathogenic, (I) - Information, (SB) - Supporting benign

OMIM
Classification: other for HEMOGLOBIN KOREA. Last evaluated: 2017-12-12. Review status: no assertion criteria provided. Collection method: literature only. Allele origin: germline. Not counted in ClinVar's aggregate classification.

Literature cited by the submitters: PubMed 1911355 (cited by Victorian Clinical Genetics Services, Murdoch Childrens Research Institute and OMIM); PubMed 12603091 (cited by Victorian Clinical Genetics Services, Murdoch Childrens Research Institute); PubMed 12908805 (cited by Victorian Clinical Genetics Services, Murdoch Childrens Research Institute); PubMed 20301599 (cited by Victorian Clinical Genetics Services, Murdoch Childrens Research Institute); PubMed 26635043 (cited by Victorian Clinical Genetics Services, Murdoch Childrens Research Institute); PubMed 29700171 (cited by Victorian Clinical Genetics Services, Murdoch Childrens Research Institute).